The following is an entry in ClinVar:

NM_000531.6(OTC):c.504T>A (p.His168Gln)

Gene: OTC (ornithine transcarbamylase; plus strand). Cytogenetic location: Xp11.4.
Variant type: single nucleotide variant.
Coding change: c.504T>A on transcript NM_000531.6 (MANE Select); coding-DNA position 504, T replaced by A.
Protein change: p.His168Gln; replaces histidine 168 with glutamine.
Molecular consequence: missense variant.
Genome position (GRCh38, 1-based): chrX:38,401,392, T>A. VCF-style: chrX-38401392-T-A. GRCh37 (hg19) VCF-style: chrX-38260645-T-A.
Other names: short protein forms H168Q.
Identifiers: ClinVar variation 97226 (VCV000097226.2), dbSNP rs72556276, ClinGen allele CA224652.

ClinVar aggregate classification (germline): Pathogenic (0 of 4 stars; one submission).

Submission:

GenMed Metabolism Lab
Classification: Pathogenic. Review status: no assertion criteria provided. Collection method: not provided. Allele origin: unknown.
Comment: p.His168Gln, Late
ClinVar note: Converted during submission from pathogenic to Pathogenic.